The following is an entry in ClinVar:

NM_000233.4(LHCGR):c.622G>A (p.Val208Ile)

Genes: LHCGR (luteinizing hormone/choriogonadotropin receptor; minus strand), STON1-GTF2A1L (STON1-GTF2A1L readthrough; plus strand). Cytogenetic location: 2p16.3.
Variant type: single nucleotide variant.
Coding change: c.622G>A on transcript NM_000233.4 (MANE Select); coding-DNA position 622, G replaced by A.
Protein change: p.Val208Ile; replaces valine 208 with isoleucine.
Molecular consequence: missense variant. On other transcripts: intron variant (1).
Genome position (GRCh38, 1-based): chr2:48,709,006, C>T on the plus strand (G>A on the coding strand, the complement: LHCGR is on the minus strand). VCF-style: chr2-48709006-C-T. GRCh37 (hg19) VCF-style: chr2-48936145-C-T.
Other names: c.3441+37326C>T (NM_001198593.2); short protein forms V208I.
Identifiers: ClinVar variation 733621 (VCV000733621.23), dbSNP rs61996321, ClinGen allele CA1653233.
Genomic context (GRCh38, chr2:48,709,006, plus strand): 5'-ACAAGGTTTTCGGCCCTGTGGCCCCACGGAAGGCTCCATTGTGCATCTTCTCCAGATGTA[C>T]GTTTTCCTTTAGCTCCCTGTGGGGAAGGATATTGCCCTTAGTGGAGTTTGTACCTCATGT-3'
Protein context (NP_000224.2, residues 198-218): TLTSLELKEN[Val208Ile]HLEKMHNGAF

ClinVar aggregate classification (germline): Benign/Likely benign. Review status: criteria provided, multiple submitters, no conflicts (2 of 4 stars). 7 submissions from 6 submitters: Benign (4); Likely benign (3). Last evaluated 2026-01-14.

Conditions:
LHCGR-related disorder. Also called: LHCGR-related condition.
Gonadotropin-independent familial sexual precocity. Also called: Familial male-limited precocious puberty; TESTOTOXICOSIS, FAMILIAL. Identifiers: Orphanet 3000, MedGen C0342549, MONDO:0008303, OMIM 176410.
Leydig cell agenesis. Also called: LEYDIG CELL HYPOPLASIA WITH MALE PSEUDOHERMAPHRODITISM; LEYDIG CELL HYPOPLASIA, COMPLETE; HYPERGONADOTROPIC HYPOGONADISM, MALE, DUE TO LHCGR DEFECT; Leydig cell hypoplasia, type 1. Identifiers: MedGen C0266432, MONDO:0009384, OMIM 238320.

Allele frequency attached by ClinVar (database versions not stated): gnomAD exomes 0.00058 and 0.00157; ExAC 0.00190; gnomAD 0.00551 and 0.00614; ESP Exome Variant Server 0.00623; TOPMed 0.00638; 1000 Genomes Project 0.00439; 1000 Genomes Project 30x 0.00484.
gnomAD v4.1: 1,706 of 1,614,100 alleles (0.11%); highest among the groups gnomAD compares: African/African-American, 2%; 16 homozygotes.

Submissions (7):

Labcorp Genetics (formerly Invitae), Labcorp
Classification: Benign. Last evaluated: 2026-01-14. Review status: criteria provided, single submitter. Criteria: Invitae Variant Classification Sherloc (09022015). Collection method: clinical testing. Allele origin: germline.

PreventionGenetics, part of Exact Sciences
Classification: Likely benign for LHCGR-related condition. Last evaluated: 2025-08-11. Review status: criteria provided, single submitter. Criteria: ACMG Guidelines, 2015. Collection method: clinical testing. Allele origin: germline.
Comment: This variant is classified as likely benign based on ACMG/AMP sequence variant interpretation guidelines (Richards et al. 2015 PMID: 25741868, with internal and published modifications).

GeneDx
Classification: Likely benign. Last evaluated: 2025-05-12. Review status: criteria provided, single submitter. Criteria: GeneDx Variant Classification Process June 2021. Collection method: clinical testing. Allele origin: germline. Affected: yes.
Comment: See Variant Classification Assertion Criteria.

Genetic Services Laboratory, University of Chicago
Classification: Benign. Last evaluated: 2019-12-10. Review status: criteria provided, single submitter. Criteria: ACMG Guidelines, 2015. Collection method: clinical testing. Allele origin: germline. Affected: no.

Illumina Laboratory Services, Illumina
Classification: Benign for Leydig cell agenesis. Last evaluated: 2018-01-13. Review status: criteria provided, single submitter. Criteria: ICSL Variant Classification Criteria 13 December 2019. Collection method: clinical testing. Allele origin: germline.
Comment: This variant was observed in the ICSL laboratory as part of a predisposition screen in an ostensibly healthy population. It had not been previously curated by ICSL or reported in the Human Gene Mutation Database (HGMD: prior to June 1st, 2018), and was therefore a candidate for classification through an automated scoring system. Utilizing variant allele frequency, disease prevalence and penetrance estimates, and inheritance mode, an automated score was calculated to assess if this variant is too frequent to cause the disease. Based on the score and internal cut-off values, a variant classified as benign is not then subjected to further curation. The score for this variant resulted in a classification of benign for this disease.

Illumina Laboratory Services, Illumina
Classification: Benign for Gonadotropin-independent familial sexual precocity. Last evaluated: 2018-01-13. Review status: criteria provided, single submitter. Criteria: ICSL Variant Classification Criteria 13 December 2019. Collection method: clinical testing. Allele origin: germline.
Comment: the same text as in the submission from Illumina Laboratory Services, Illumina above.

Breakthrough Genomics
Classification: Likely benign. Review status: criteria provided, single submitter. Criteria: ACMG Guidelines, 2015. Collection method: not provided. Allele origin: germline. Inheritance: Autosomal recessive inheritance. Affected: yes.